The following is an entry in ClinVar:

NM_025219.3(DNAJC5):c.*4385A>T

Gene: DNAJC5 (DnaJ heat shock protein family (Hsp40) member C5; plus strand). Cytogenetic location: 20q13.33.
Variant type: single nucleotide variant.
Coding change: c.*4385A>T on transcript NM_025219.3 (MANE Select); 4385 bases downstream of the stop codon, A replaced by T.
Molecular consequence: 3 prime UTR variant.
Genome position (GRCh38, 1-based): chr20:63,935,953, A>T. VCF-style: chr20-63935953-A-T. GRCh37 (hg19) VCF-style: chr20-62567306-A-T.
Identifiers: ClinVar variation 339446 (VCV000339446.6), dbSNP rs77335831, ClinGen allele CA10644433.
Genomic context (GRCh38, chr20:63,935,953, plus strand): 5'-ACTCCGGCTGATCCTGGCTCGAGCACACACATCTAAGGGCCAGGCTGGTTCCGCATGGTG[A>T]TCTCCGTCTTGTATGTCTGAATGTTGGCCTAAAATAAAGATTACTGTTGTAAAATAAATG-3'

ClinVar aggregate classification (germline): Benign (1 of 4 stars; one submission).

Conditions:
Ceroid lipofuscinosis, neuronal, 4 (Kufs type) (CLN4). Also called: Neuronal ceroid lipofuscinosis 4B; Ceroid lipofuscinosis, neuronal, 4, Parry type. Identifiers: Orphanet 228343, Orphanet 79262, MedGen C1834207, MONDO:0008083, OMIM 162350.

Allele frequency attached by ClinVar (database versions not stated): gnomAD 0.01695 and 0.01815; TOPMed 0.01917; 1000 Genomes Project 30x 0.02046; 1000 Genomes Project 0.02097.

Submission:

Illumina Laboratory Services, Illumina
Classification: Benign for Ceroid lipofuscinosis, neuronal, 4 (Kufs type). Last evaluated: 2018-01-13. Review status: criteria provided, single submitter. Criteria: ICSL Variant Classification Criteria 13 December 2019. Collection method: clinical testing. Allele origin: germline.
Comment: This variant was observed in the ICSL laboratory as part of a predisposition screen in an ostensibly healthy population. It had not been previously curated by ICSL or reported in the Human Gene Mutation Database (HGMD: prior to June 1st, 2018), and was therefore a candidate for classification through an automated scoring system. Utilizing variant allele frequency, disease prevalence and penetrance estimates, and inheritance mode, an automated score was calculated to assess if this variant is too frequent to cause the disease. Based on the score and internal cut-off values, a variant classified as benign is not then subjected to further curation. The score for this variant resulted in a classification of benign for this disease.